The following is an entry in ClinVar:

NM_003480.4(MFAP5):c.12G>A (p.Leu4=)

Gene: MFAP5 (microfibril associated protein 5; minus strand). Cytogenetic location: 12p13.31.
Variant type: single nucleotide variant.
Coding change: c.12G>A on transcript NM_003480.4 (MANE Select); coding-DNA position 12, G replaced by A.
Protein change: p.Leu4=; no amino-acid change (leucine 4 retained).
Molecular consequence: synonymous variant. On other transcripts: non-coding transcript variant (2).
Genome position (GRCh38, 1-based): chr12:8,662,093, C>T on the plus strand (G>A on the coding strand, the complement: MFAP5 is on the minus strand). VCF-style: chr12-8662093-C-T. GRCh37 (hg19) VCF-style: chr12-8814689-C-T.
Other names: c.12G>A, p.Leu4= (NM_001297709.2, NM_001297710.2, NM_001297711.2 and 1 more transcripts).
Identifiers: ClinVar variation 390582 (VCV000390582.66), dbSNP rs148879406, ClinGen allele CA6434811.

ClinVar aggregate classification (germline): Conflicting classifications of pathogenicity. Review status: criteria provided, conflicting classifications (1 of 4 stars). 8 submissions from 8 submitters: Uncertain significance (3); Likely benign (4). 1 of the submissions does not count toward it. Last evaluated 2026-07-31.

Conditions:
Aortic aneurysm, familial thoracic 9 (AAT9). Identifiers: MedGen C4015368, MONDO:0014514, OMIM 616166.
Cardiovascular phenotype. Identifiers: MedGen CN230736.
MFAP5-related disorder. Also called: MFAP5-related condition.

Allele frequency attached by ClinVar (database versions not stated): gnomAD exomes 0.00032 and 0.00034; ExAC 0.00039; ESP Exome Variant Server 0.00046; gnomAD 0.00053 and 0.00058; TOPMed 0.00023.

Submissions (9):

GeneDx
Classification: Uncertain significance. Last evaluated: 2026-07-31. Review status: criteria provided, single submitter. Criteria: GeneDx Variant Classification Process June 2021. Collection method: clinical testing. Allele origin: germline.
Comment: Has not been previously published as pathogenic or benign to our knowledge; In silico analysis is inconclusive as to whether the variant alters gene splicing. In the absence of RNA/functional studies, the actual effect of this sequence change is unknown.; Variants in candidate genes are classified as variants of uncertain significance in accordance with ACMG guidelines (PMID: 25741868)

Labcorp Genetics (formerly Invitae), Labcorp
Classification: Likely benign. Last evaluated: 2026-01-21. Review status: criteria provided, single submitter. Criteria: Invitae Variant Classification Sherloc (09022015). Collection method: clinical testing. Allele origin: germline.

ARUP Laboratories, Molecular Genetics and Genomics, ARUP Laboratories
Classification: Uncertain significance for Aortic aneurysm, familial thoracic 9. Last evaluated: 2025-07-10. Review status: criteria provided, single submitter. Criteria: ARUP Molecular Germline Variant Investigation Process 2024. Collection method: clinical testing. Allele origin: germline.
Comment: The MFAP5 c.12G>A; p.Leu4= variant (rs148879406), to our knowledge, is not reported in the medical literature but is reported in ClinVar (Variation ID: 390582). This variant is found in the general population with an overall allele frequency of 0.046% (131/282,128 alleles) in the Genome Aggregation Database (v2.1.1). This is a synonymous variant and computational analyses (Alamut Visual Plus v.1.12) predict that this variant may impact splicing by creating a novel cryptic acceptor splice site. However, given the lack of clinical and functional data, the significance of this variant is uncertain at this time.

CeGaT Center for Human Genetics Tuebingen
Classification: Likely benign. Last evaluated: 2025-04-01. Review status: criteria provided, single submitter. Criteria: CeGaT Center For Human Genetics Tuebingen Variant Classification Criteria Version 2. Collection method: clinical testing. Allele origin: germline. Affected: yes. Observed: 3 variant alleles.
Comment: MFAP5: BP4, BS2

Blueprint Genetics
Classification: Likely benign. Last evaluated: 2024-11-13. Review status: criteria provided, single submitter. Criteria: ACMG Guidelines, 2015. Collection method: clinical testing. Allele origin: germline.

Ambry Genetics
Classification: Likely benign for Cardiovascular phenotype. Last evaluated: 2020-05-04. Review status: criteria provided, single submitter. Criteria: Ambry Variant Classification Scheme 2023. Collection method: clinical testing. Allele origin: germline.

Mayo Clinic Laboratories, Mayo Clinic
Classification: Uncertain significance. Last evaluated: 2019-05-20. Review status: criteria provided, single submitter. Criteria: ACMG Guidelines, 2015. Collection method: clinical testing. Allele origin: germline. Observed: 2 variant alleles.

PreventionGenetics, part of Exact Sciences
Classification: Likely benign for MFAP5-related condition. Last evaluated: 2020-04-24. Review status: no assertion criteria provided. Collection method: clinical testing. Allele origin: germline. Not counted in ClinVar's aggregate classification.
Comment: This variant is classified as likely benign based on ACMG/AMP sequence variant interpretation guidelines (Richards et al. 2015 PMID: 25741868, with internal and published modifications).

Dr. Peter K. Rogan Lab, Western University
No classification provided (evidence only). Condition: Familial cancer of breast. Review status: no classification provided. Collection method: in vitro. Allele origin: not applicable. Functional consequence: skipped exon. Not counted in ClinVar's aggregate classification.